The following is an entry in ClinVar:

NM_004586.3(RPS6KA3):c.4C>A (p.Pro2Thr)

Genes: RPS6KA3 (ribosomal protein S6 kinase A3; minus strand), LOC130068032 (ATAC-STARR-seq lymphoblastoid silent region 20696; plus strand). Cytogenetic location: Xp22.12.
Variant type: single nucleotide variant.
Coding change: c.4C>A on transcript NM_004586.3 (MANE Select); coding-DNA position 4, C replaced by A.
Protein change: p.Pro2Thr; replaces proline 2 with threonine.
Molecular consequence: missense variant.
Genome position (GRCh38, 1-based): chrX:20,266,629, G>T on the plus strand (C>A on the coding strand, the complement: RPS6KA3 is on the minus strand). VCF-style: chrX-20266629-G-T. GRCh37 (hg19) VCF-style: chrX-20284747-G-T.
Other names: short protein forms P2T.
Identifiers: ClinVar variation 1712597 (VCV001712597.2), dbSNP rs2520040694, ClinGen allele CA412510915.

ClinVar aggregate classification (germline): Uncertain significance (1 of 4 stars; one submission).

Submission:

GeneDx
Classification: Uncertain significance. Last evaluated: 2022-04-22. Review status: criteria provided, single submitter. Criteria: GeneDx Variant Classification Process June 2021. Collection method: clinical testing. Allele origin: germline. Affected: yes.
Comment: Not observed at significant frequency in large population cohorts (gnomAD); In silico analysis supports that this missense variant has a deleterious effect on protein structure/function; Has not been previously published as pathogenic or benign to our knowledge